The following is an entry in ClinVar:

NM_153046.3(TDRD9):c.2607-5T>C

Gene: TDRD9 (tudor domain containing 9; plus strand). Cytogenetic location: 14q32.33.
Variant type: single nucleotide variant.
Coding change: c.2607-5T>C on transcript NM_153046.3 (MANE Select); 5 bases into the intron before coding-DNA position 2607, T replaced by C.
Molecular consequence: intron variant.
Genome position (GRCh38, 1-based): chr14:104,024,564, T>C. VCF-style: chr14-104024564-T-C. GRCh37 (hg19) VCF-style: chr14-104490901-T-C.
Identifiers: ClinVar variation 3052446 (VCV003052446.2), dbSNP rs202130253, ClinGen allele CA7368905.

ClinVar aggregate classification (germline): Benign (0 of 4 stars; one submission).

Conditions:
TDRD9-related disorder. Also called: TDRD9-related condition.

Allele frequency attached by ClinVar (database versions not stated): gnomAD exomes 0.00011; TOPMed 0.00017; gnomAD 0.00034; ExAC 0.00054; 1000 Genomes Project 30x 0.00234; 1000 Genomes Project 0.00280.
gnomAD v4.1: 212 of 1,566,642 alleles (0.014%); highest among the groups gnomAD compares: East Asian, 0.42%; no homozygotes.

Submission:

PreventionGenetics, part of Exact Sciences
Classification: Benign for TDRD9-related condition. Last evaluated: 2019-08-21. Review status: no assertion criteria provided. Collection method: clinical testing. Allele origin: germline.
Comment: This variant is classified as benign based on ACMG/AMP sequence variant interpretation guidelines (Richards et al. 2015 PMID: 25741868, with internal and published modifications).